The following is an entry in ClinVar:

ClinVar aggregate classification (germline): Uncertain significance (1 of 4 stars; one submission).

Submission:

Labcorp Genetics (formerly Invitae), Labcorp
Classification: Uncertain significance. Last evaluated: 2022-09-14. Review status: criteria provided, single submitter. Criteria: Invitae Variant Classification Sherloc (09022015). Collection method: clinical testing. Allele origin: germline.
Comment: In summary, the available evidence is currently insufficient to determine the role of this variant in disease. Therefore, it has been classified as a Variant of Uncertain Significance. This variant has not been reported in the literature in individuals affected with SIN3A-related conditions. This variant is a gross deletion of the genomic region encompassing exon(s) 9 of the SIN3A gene. This variant would be expected to be in-frame, preserving the integrity of the reading frame.

NC_000015.9:g.(?_75699376)_(75699505_?)del

Gene: SIN3A (SIN3 transcription regulator family member A; minus strand). Cytogenetic location: 15q24.2.
Variant type: Deletion.
Identifiers: ClinVar variation 2423883 (VCV002423883.4).